The following is an entry in ClinVar:

NM_001042492.3(NF1):c.7190-1G>T

Gene: NF1 (neurofibromin 1; plus strand). Cytogenetic location: 17q11.2.
Variant type: single nucleotide variant.
Coding change: c.7190-1G>T on transcript NM_001042492.3 (MANE Select); the canonical splice acceptor site of the intron before coding-DNA position 7190, G replaced by T.
Molecular consequence: splice acceptor variant.
Genome position (GRCh38, 1-based): chr17:31,349,119, G>T. VCF-style: chr17-31349119-G-T. GRCh37 (hg19) VCF-style: chr17-29676137-G-T.
Other names: c.7127-1G>T (NM_000267.4).
Identifiers: ClinVar variation 2736579 (VCV002736579.4), dbSNP rs2070073417, ClinGen allele CA399016647.

ClinVar aggregate classification (germline): Pathogenic/Likely pathogenic. Review status: criteria provided, multiple submitters, no conflicts (2 of 4 stars). 2 submissions from 2 submitters: Pathogenic (1); Likely pathogenic (1). Last evaluated 2026-01-25.

Conditions:
Neurofibromatosis, type 1 (NF1). Also called: Neurofibromatosis, type I; Peripheral type neurofibromatosis; VON RECKLINGHAUSEN DISEASE; NEUROFIBROMATOSIS, TYPE I, SOMATIC. Identifiers: Orphanet 636, MedGen C0027831, MONDO:0018975, OMIM 162200. Disease mechanism: loss of function.
Juvenile myelomonocytic leukemia (JMML). Also called: LEUKEMIA, JUVENILE MYELOMONOCYTIC, SOMATIC. Identifiers: Orphanet 86834, MedGen C0349639, MONDO:0011908, OMIM 607785, HP:0012209.
Neurofibromatosis-Noonan syndrome (NFNS). Also called: NEUROFIBROMATOSIS WITH NOONAN PHENOTYPE. Identifiers: Orphanet 638, MedGen C2931482, MONDO:0011035, OMIM 601321. Disease mechanism: loss of function.
Neurofibromatosis, familial spinal (FSNF). Identifiers: Orphanet 636, MedGen C1834235, MONDO:0008078, OMIM 162210. Disease mechanism: loss of function.
Café-au-lait macules with pulmonary stenosis (WTSN). Also called: PULMONIC STENOSIS WITH CAFE-AU-LAIT SPOTS. Identifiers: MedGen C0553586, MONDO:0008672, OMIM 193520.

Submissions (2):

Labcorp Genetics (formerly Invitae), Labcorp
Classification: Pathogenic for Neurofibromatosis, type 1. Last evaluated: 2026-01-25. Review status: criteria provided, single submitter. Criteria: Invitae Variant Classification Sherloc (09022015). Collection method: clinical testing. Allele origin: germline.
Comment: This sequence change affects an acceptor splice site in intron 47 of the NF1 gene. It is expected to disrupt RNA splicing. Variants that disrupt the donor or acceptor splice site typically lead to a loss of protein function (PMID: 16199547), and loss-of-function variants in NF1 are known to be pathogenic (PMID: 10712197, 23913538). This variant is not present in population databases (gnomAD no frequency). Disruption of this splice site has been observed in individual(s) with neurofibromatosis type 1 (PMID: 16944272). ClinVar contains an entry for this variant (Variation ID: 2736579). Algorithms developed to predict the effect of sequence changes on RNA splicing suggest that this variant may disrupt the consensus splice site. For these reasons, this variant has been classified as Pathogenic.

Juno Genomics, Hangzhou Juno Genomics, Inc
Classification: Likely pathogenic for Neurofibromatosis, type 1; Juvenile myelomonocytic leukemia; Neurofibromatosis, familial spinal; Neurofibromatosis-Noonan syndrome; Café-au-lait macules with pulmonary stenosis. Review status: criteria provided, single submitter. Criteria: ACMG Guidelines, 2015. Collection method: clinical testing. Allele origin: germline. Affected: yes.
Comment: Absent from controls (or at extremely low frequency if recessive) in Genome Aggregation Database, Exome Sequencing Project, 1000 Genomes Project, or Exome Aggregation Consortium.;Null variant in a gene where loss of function (LOF) is a known mechanism of disease.;The prevalence of the variant in affected individuals is significantly increased compared to the prevalence in controls.;Patient's phenotype or family history is highly specific for a disease with a single genetic etiology.

Literature cited by the submitters: PubMed 16199547 (cited by Labcorp Genetics (formerly Invitae), Labcorp); PubMed 10712197 (cited by Labcorp Genetics (formerly Invitae), Labcorp); PubMed 23913538 (cited by Labcorp Genetics (formerly Invitae), Labcorp); PubMed 16944272 (cited by Labcorp Genetics (formerly Invitae), Labcorp).